The following is an entry in ClinVar:

NM_001165963.4(SCN1A):c.2043T>C (p.Asn681=)

Gene: SCN1A (sodium voltage-gated channel alpha subunit 1; minus strand). Cytogenetic location: 2q24.3.
Variant type: single nucleotide variant.
Coding change: c.2043T>C on transcript NM_001165963.4 (MANE Select); coding-DNA position 2043, T replaced by C.
Protein change: p.Asn681=; no amino-acid change (asparagine 681 retained).
Molecular consequence: synonymous variant. On other transcripts: intron variant (12).
Genome position (GRCh38, 1-based): chr2:166,043,669, A>G on the plus strand (T>C on the coding strand, the complement: SCN1A is on the minus strand). VCF-style: chr2-166043669-A-G. GRCh37 (hg19) VCF-style: chr2-166900179-A-G.
Other names: c.2043T>C, p.Asn681= (NM_001202435.3, NM_001353948.2); c.2010+33T>C (NM_001353949.2, NM_001353950.2, NM_001353951.2 and 2 more transcripts); c.1959+84T>C (NM_001353958.2, NM_001353957.2, NM_001165964.3); c.2007+33T>C (NM_001353955.2, NM_001353954.2); c.1956+84T>C (NM_001353960.2); c.-416+33T>C (NM_001353961.2).
Identifiers: ClinVar variation 1517431 (VCV001517431.7), dbSNP rs754934003, ClinGen allele CA1943217.
Genomic context (GRCh38, chr2:166,043,669, plus strand): 5'-ACACTGGCTGGTGCAGCAATAGTGAGCCAGCCATGCCTGAACTATTTAAAACTTCCTTAC[A>G]TTGTCATCAGTAGCTGGCTTATCTATTATCACCTCTGGCAGAAGCTGTCCAACAGGCGAT-3'
Protein context (NP_001159435.1, residues 671-691): VIIDKPATDD[Asn681=]GTTTETEMRK

ClinVar aggregate classification (germline): Uncertain significance (1 of 4 stars; one submission).

Conditions:
Early-infantile DEE. Also called: Ohtahara syndrome; Early infantile epileptic encephalopathy; Early infantile epileptic encephalopathy with suppression bursts. Identifiers: Orphanet 1934, MedGen C0393706, MONDO:0800491.

Allele frequency attached by ClinVar (database versions not stated): gnomAD exomes below 0.00001; ExAC 0.00001; gnomAD 0.00001; TOPMed 0.00001.
gnomAD v4.1: 2 of 1,613,484 alleles (0.00012%); highest among the groups gnomAD compares: Non-Finnish European, 0.00017%; no homozygotes.

Submission:

Labcorp Genetics (formerly Invitae), Labcorp
Classification: Uncertain significance for Early-infantile DEE. Last evaluated: 2022-07-06. Review status: criteria provided, single submitter. Criteria: Invitae Variant Classification Sherloc (09022015). Collection method: clinical testing. Allele origin: germline.
Comment: In summary, the available evidence is currently insufficient to determine the role of this variant in disease. Therefore, it has been classified as a Variant of Uncertain Significance. Algorithms developed to predict the effect of sequence changes on RNA splicing suggest that this variant is not likely to affect RNA splicing. ClinVar contains an entry for this variant (Variation ID: 1517431). This variant has not been reported in the literature in individuals affected with SCN1A-related conditions. This variant is present in population databases (rs754934003, gnomAD 0.0009%). This sequence change affects codon 681 of the SCN1A mRNA. It is a 'silent' change, meaning that it does not change the encoded amino acid sequence of the SCN1A protein. It affects a nucleotide within the consensus splice site.